The following is an entry in ClinVar:

ClinVar aggregate classification (germline): Uncertain significance. Review status: criteria provided, multiple submitters, no conflicts (2 of 4 stars). 2 submissions from 2 submitters: Uncertain significance (2). Last evaluated 2025-01-09.

Conditions:
Progressive myoclonic epilepsy type 5. Identifiers: Orphanet 402082, MedGen C5190799.

Allele frequency attached by ClinVar (database versions not stated): gnomAD 0.00002.
gnomAD v4.1: 3 of 1,613,962 alleles (0.00019%); highest among the groups gnomAD compares: African/African-American, 0.004%; no homozygotes.

Submissions (2):

Revvity Omics, Revvity
Classification: Uncertain significance. Last evaluated: 2025-01-09. Review status: criteria provided, single submitter. Criteria: ACMG Guidelines, 2015. Collection method: clinical testing. Allele origin: germline.

Labcorp Genetics (formerly Invitae), Labcorp
Classification: Uncertain significance for Progressive myoclonic epilepsy type 5. Last evaluated: 2021-01-19. Review status: criteria provided, single submitter. Criteria: Invitae Variant Classification Sherloc (09022015). Collection method: clinical testing. Allele origin: germline.
Comment: This sequence change replaces cysteine with glycine at codon 90 of the PRICKLE2 protein (p.Cys90Gly). The cysteine residue is highly conserved and there is a large physicochemical difference between cysteine and glycine. This variant has not been reported in the literature in individuals with PRICKLE2-related conditions. This variant is not present in population databases (ExAC no frequency). In summary, the available evidence is currently insufficient to determine the role of this variant in disease. Therefore, it has been classified as a Variant of Uncertain Significance. Algorithms developed to predict the effect of missense changes on protein structure and function (SIFT, PolyPhen-2, Align-GVGD) all suggest that this variant is likely to be disruptive, but these predictions have not been confirmed by published functional studies and their clinical significance is uncertain.

NM_198859.4(PRICKLE2):c.268T>G (p.Cys90Gly)

Gene: PRICKLE2 (prickle planar cell polarity protein 2; minus strand). Cytogenetic location: 3p14.1.
Variant type: single nucleotide variant.
Coding change: c.268T>G on transcript NM_198859.4 (MANE Select); coding-DNA position 268, T replaced by G.
Protein change: p.Cys90Gly; replaces cysteine 90 with glycine.
Molecular consequence: missense variant.
Genome position (GRCh38, 1-based): chr3:64,160,068, A>C on the plus strand (T>G on the coding strand, the complement: PRICKLE2 is on the minus strand). VCF-style: chr3-64160068-A-C. GRCh37 (hg19) VCF-style: chr3-64145744-A-C.
Other names: c.268T>G, p.Cys90Gly (NM_001370528.1); short protein forms C90G.
Identifiers: ClinVar variation 1404372 (VCV001404372.10), dbSNP rs1443371091, ClinGen allele CA353435789.